The following is an entry in ClinVar:

NM_001039591.3(USP9X):c.2720A>G (p.His907Arg)

Gene: USP9X (ubiquitin specific peptidase 9 X-linked; plus strand). Cytogenetic location: Xp11.4.
Variant type: single nucleotide variant.
Coding change: c.2720A>G on transcript NM_001039591.3 (MANE Select); coding-DNA position 2720, A replaced by G.
Protein change: p.His907Arg; replaces histidine 907 with arginine.
Molecular consequence: missense variant.
Genome position (GRCh38, 1-based): chrX:41,170,078, A>G. VCF-style: chrX-41170078-A-G. GRCh37 (hg19) VCF-style: chrX-41029331-A-G.
Other names: c.2720A>G, p.His907Arg (NM_001039590.3); c.2735A>G, p.His912Arg (NM_001410748.1, NM_001410749.1); short protein forms H907R, H912R.
Identifiers: ClinVar variation 3370863 (VCV003370863.1).

ClinVar aggregate classification (germline): Uncertain significance (1 of 4 stars; one submission).

Submission:

GeneDx
Classification: Uncertain significance. Last evaluated: 2024-03-10. Review status: criteria provided, single submitter. Criteria: GeneDx Variant Classification Process June 2021. Collection method: clinical testing. Allele origin: germline. Affected: yes.
Comment: Not observed at significant frequency in large population cohorts (gnomAD); In silico analysis supports that this missense variant has a deleterious effect on protein structure/function; Has not been previously published as pathogenic or benign to our knowledge